The following is an entry in ClinVar:

ClinVar aggregate classification (germline): Uncertain significance (1 of 4 stars; one submission).

Submission:

Labcorp Genetics (formerly Invitae), Labcorp
Classification: Uncertain significance. Last evaluated: 2025-12-01. Review status: criteria provided, single submitter. Criteria: Invitae Variant Classification Sherloc (09022015). Collection method: clinical testing. Allele origin: germline.
Comment: This variant, c.2554_2556del, results in the deletion of 1 amino acid(s) of the ADNP protein (p.Lys852del), but otherwise preserves the integrity of the reading frame. This variant is present in population databases (no rsID available, gnomAD 0.006%). This variant has not been reported in the literature in individuals affected with ADNP-related conditions. Experimental studies and prediction algorithms are not available or were not evaluated, and the functional significance of this variant is currently unknown. In summary, the available evidence is currently insufficient to determine the role of this variant in disease. Therefore, it has been classified as a Variant of Uncertain Significance.

NM_001282531.3(ADNP):c.2554_2556del (p.Lys852del)

Gene: ADNP (activity dependent neuroprotector homeobox; minus strand). Cytogenetic location: 20q13.13.
Variant type: Deletion.
Coding change: c.2554_2556del on transcript NM_001282531.3 (MANE Select); coding-DNA positions 2554 to 2556, 3 bases deleted (AAG; older notation c.2554_2556delAAG).
Protein change: p.Lys852del; deletes lysine 852.
Genome position (GRCh38, 1-based): chr20:50,892,158-50,892,160, CTT deleted on the plus strand (AAG on the coding strand, the reverse complement: ADNP is on the minus strand); deleting any 3 consecutive bases within chr20:50,892,158-50,892,162 gives the same sequence; the c. name uses the placement nearest the transcript's 3' end. VCF-style (leftmost placement, unchanged base first): chr20-50892157-CCTT-C. GRCh37 (hg19) VCF-style: chr20-49508694-CCTT-C.
Other names: c.2554_2556del, p.Lys852del (NM_181442.4, NM_001282532.2, NM_001347511.2 and 1 more transcripts); c.2770_2772del, p.Lys924del (NM_001439000.1); c.1870_1872del, p.Lys624del (NM_001439001.1); short protein forms K624del, K852del, K924del.
Identifiers: ClinVar variation 4762813 (VCV004762813.1).